The following is an entry in ClinVar:

NM_001190.4(BCAT2):c.388T>A (p.Ser130Thr)

Gene: BCAT2 (branched chain amino acid transaminase 2; minus strand). Cytogenetic location: 19q13.33.
Variant type: single nucleotide variant.
Coding change: c.388T>A on transcript NM_001190.4 (MANE Select); coding-DNA position 388, T replaced by A.
Protein change: p.Ser130Thr; replaces serine 130 with threonine.
Molecular consequence: missense variant.
Genome position (GRCh38, 1-based): chr19:48,800,210, A>T on the plus strand (T>A on the coding strand, the complement: BCAT2 is on the minus strand). VCF-style: chr19-48800210-A-T. GRCh37 (hg19) VCF-style: chr19-49303467-A-T.
Other names: c.112T>A, p.Ser38Thr (NM_001164773.2); c.268T>A, p.Ser90Thr (NM_001284325.2); short protein forms S130T, S38T, S90T.
Identifiers: ClinVar variation 5017909 (VCV005017909.1).

ClinVar aggregate classification (germline): Uncertain significance (1 of 4 stars; one submission).

gnomAD v4.1: 1 of 1,613,782 alleles (0.000062%); highest among the groups gnomAD compares: Admixed American, 0.0017%; no homozygotes.

Submission:

GeneDx
Classification: Uncertain significance. Last evaluated: 2026-03-30. Review status: criteria provided, single submitter. Criteria: GeneDx Variant Classification Process June 2021. Collection method: clinical testing. Allele origin: germline.
Comment: Not observed at significant frequency in large population cohorts (gnomAD); In silico analysis suggests that this missense variant does not alter protein structure/function; Has not been previously published as pathogenic or benign to our knowledge